The following is an entry in ClinVar:

NM_013339.4(ALG6):c.532G>A (p.Val178Ile)

Gene: ALG6 (ALG6 alpha-1,3-glucosyltransferase; plus strand). Cytogenetic location: 1p31.3.
Variant type: single nucleotide variant.
Coding change: c.532G>A on transcript NM_013339.4 (MANE Select); coding-DNA position 532, G replaced by A.
Protein change: p.Val178Ile; replaces valine 178 with isoleucine.
Molecular consequence: missense variant.
Genome position (GRCh38, 1-based): chr1:63,411,183, G>A. VCF-style: chr1-63411183-G-A. GRCh37 (hg19) VCF-style: chr1-63876854-G-A.
Other names: short protein forms V178I.
Identifiers: ClinVar variation 1386697 (VCV001386697.5), dbSNP rs2100420805, ClinGen allele CA340634915.
Genomic context (GRCh38, chr1:63,411,183, plus strand): 5'-TAATTTCCTTGACACAGGAACATATATAATTCTGTGAGTCTTGGCTTTGCTTTGTGGGGT[G>A]TTCTTGGAATATCTTGTGACTGCGACCTCCTAGGGTCACTGGCATTTTGCTTAGCTATAA-3'
Protein context (NP_037471.2, residues 168-188): SVSLGFALWG[Val178Ile]LGISCDCDLL

ClinVar aggregate classification (germline): Uncertain significance (1 of 4 stars; one submission).

Conditions:
ALG6-congenital disorder of glycosylation 1C (CDG1C). Also called: Congenital disorder of glycosylation type 1C; CARBOHYDRATE-DEFICIENT GLYCOPROTEIN SYNDROME, TYPE I, WITH DEFICIENT GLYCOSYLATION OF DOLICHOL-LINKED OLIGOSACCHARIDE; CARBOHYDRATE-DEFICIENT GLYCOPROTEIN SYNDROME, TYPE V; Congenital disorder of glycosylation, type Ic; CDG Ic. Identifiers: Orphanet 79320, MedGen C2930997, MONDO:0011291, OMIM 603147.

Submission:

Labcorp Genetics (formerly Invitae), Labcorp
Classification: Uncertain significance for ALG6-congenital disorder of glycosylation 1C. Last evaluated: 2022-02-10. Review status: criteria provided, single submitter. Criteria: Invitae Variant Classification Sherloc (09022015). Collection method: clinical testing. Allele origin: germline.
Comment: This sequence change replaces valine, which is neutral and non-polar, with isoleucine, which is neutral and non-polar, at codon 178 of the ALG6 protein (p.Val178Ile). This variant is not present in population databases (gnomAD no frequency). This variant has not been reported in the literature in individuals affected with ALG6-related conditions. Algorithms developed to predict the effect of missense changes on protein structure and function output the following: SIFT: "Tolerated"; PolyPhen-2: "Benign"; Align-GVGD: "Class C0". The isoleucine amino acid residue is found in multiple mammalian species, which suggests that this missense change does not adversely affect protein function. In summary, the available evidence is currently insufficient to determine the role of this variant in disease. Therefore, it has been classified as a Variant of Uncertain Significance.